The following is an entry in ClinVar:

ClinVar aggregate classification (germline): Uncertain significance. Review status: criteria provided, multiple submitters, no conflicts (2 of 4 stars). 2 submissions from 2 submitters: Uncertain significance (2). Last evaluated 2025-02-26.

Conditions:
Hereditary cancer-predisposing syndrome. Also called: Tumor predisposition; Hereditary Cancer Syndrome; Hereditary neoplastic syndrome; Neoplastic Syndromes, Hereditary. Identifiers: Orphanet 140162, MedGen C0027672, MeSH D009386, MONDO:0015356.
Tuberous sclerosis 1 (TSC1). Identifiers: Orphanet 805, MedGen C1854465, MONDO:0008612, OMIM 191100.

Submissions (2):

Labcorp Genetics (formerly Invitae), Labcorp
Classification: Uncertain significance for Tuberous sclerosis 1. Last evaluated: 2025-02-26. Review status: criteria provided, single submitter. Criteria: Invitae Variant Classification Sherloc (09022015). Collection method: clinical testing. Allele origin: germline.
Comment: This sequence change replaces asparagine, which is neutral and polar, with serine, which is neutral and polar, at codon 791 of the TSC1 protein (p.Asn791Ser). This variant is not present in population databases (gnomAD no frequency). This variant has not been reported in the literature in individuals affected with TSC1-related conditions. ClinVar contains an entry for this variant (Variation ID: 234163). Invitae Evidence Modeling of protein sequence and biophysical properties (such as structural, functional, and spatial information, amino acid conservation, physicochemical variation, residue mobility, and thermodynamic stability) indicates that this missense variant is not expected to disrupt TSC1 protein function with a negative predictive value of 95%. In summary, the available evidence is currently insufficient to determine the role of this variant in disease. Therefore, it has been classified as a Variant of Uncertain Significance.

Ambry Genetics
Classification: Uncertain significance for Hereditary cancer-predisposing syndrome. Last evaluated: 2024-12-02. Review status: criteria provided, single submitter. Criteria: Ambry Variant Classification Scheme 2023. Collection method: clinical testing. Allele origin: germline.
Comment: The p.N791S variant (also known as c.2372A>G), located in coding exon 16 of the TSC1 gene, results from an A to G substitution at nucleotide position 2372. The asparagine at codon 791 is replaced by serine, an amino acid with highly similar properties. This amino acid position is not well conserved in available vertebrate species. In addition, this alteration is predicted to be tolerated by in silico analysis. Based on the available evidence, the clinical significance of this variant remains unclear.

NM_000368.5(TSC1):c.2372A>G (p.Asn791Ser)

Gene: TSC1 (TSC complex subunit 1; minus strand). Cytogenetic location: 9q34.13.
Variant type: single nucleotide variant.
Coding change: c.2372A>G on transcript NM_000368.5 (MANE Select); coding-DNA position 2372, A replaced by G.
Protein change: p.Asn791Ser; replaces asparagine 791 with serine.
Molecular consequence: missense variant.
Genome position (GRCh38, 1-based): chr9:132,902,624, T>C on the plus strand (A>G on the coding strand, the complement: TSC1 is on the minus strand). VCF-style: chr9-132902624-T-C. GRCh37 (hg19) VCF-style: chr9-135778011-T-C.
Other names: c.2369A>G, p.Asn790Ser (NM_001162426.2); c.2219A>G, p.Asn740Ser (NM_001162427.2); c.2009A>G, p.Asn670Ser (NM_001362177.2); short protein forms N791S, N670S, N790S, N740S.
Identifiers: ClinVar variation 234163 (VCV000234163.7), dbSNP rs876660894, ClinGen allele CA10578824.